The following is an entry in ClinVar:

ClinVar aggregate classification (germline): Uncertain significance (1 of 4 stars; one submission).

Submission:

GeneDx
Classification: Uncertain significance. Last evaluated: 2026-02-03. Review status: criteria provided, single submitter. Criteria: GeneDx Variant Classification Process June 2021. Collection method: clinical testing. Allele origin: germline.
Comment: Not observed at significant frequency in large population cohorts (gnomAD); In silico analysis supports that this missense variant has a deleterious effect on protein structure/function; Has not been previously published as pathogenic or benign to our knowledge; In silico analysis suggests this variant may impact gene splicing. In the absence of RNA/functional studies, the actual effect of this sequence change is unknown.

NM_003076.5(SMARCD1):c.892G>T (p.Asp298Tyr)

Gene: SMARCD1 (SWI/SNF related BAF chromatin remodeling complex subunit D1; plus strand). Cytogenetic location: 12q13.12.
Variant type: single nucleotide variant.
Coding change: c.892G>T on transcript NM_003076.5 (MANE Select); coding-DNA position 892, G replaced by T.
Protein change: p.Asp298Tyr; replaces aspartic acid 298 with tyrosine.
Molecular consequence: missense variant.
Genome position (GRCh38, 1-based): chr12:50,090,259, G>T. VCF-style: chr12-50090259-G-T. GRCh37 (hg19) VCF-style: chr12-50484042-G-T.
Other names: c.892G>T, p.Asp298Tyr (NM_139071.3); short protein forms D298Y.
Identifiers: ClinVar variation 3360044 (VCV003360044.2).